The following is an entry in ClinVar:

NM_003480.4(MFAP5):c.478C>T (p.Pro160Ser)

Genes: MFAP5 (microfibril associated protein 5; minus strand), LOC126861443 (BRD4-independent group 4 enhancer GRCh37_chr12:8800473-8801672; plus strand). Cytogenetic location: 12p13.31.
Variant type: single nucleotide variant.
Coding change: c.478C>T on transcript NM_003480.4 (MANE Select); coding-DNA position 478, C replaced by T.
Protein change: p.Pro160Ser; replaces proline 160 with serine.
Molecular consequence: missense variant. On other transcripts: non-coding transcript variant (2).
Genome position (GRCh38, 1-based): chr12:8,648,135, G>A on the plus strand (C>T on the coding strand, the complement: MFAP5 is on the minus strand). VCF-style: chr12-8648135-G-A. GRCh37 (hg19) VCF-style: chr12-8800731-G-A.
Other names: c.478C>T (NM_003480.2); c.448C>T, p.Pro150Ser (NM_001297709.2); c.412C>T, p.Pro138Ser (NM_001297710.2); c.403C>T, p.Pro135Ser (NM_001297711.2); c.286C>T, p.Pro96Ser (NM_001297712.2); short protein forms P160S, P150S, P135S, P138S, P96S.
Identifiers: ClinVar variation 1367642 (VCV001367642.7), dbSNP rs772494615, ClinGen allele CA6434562.

ClinVar aggregate classification (germline): Uncertain significance. Review status: criteria provided, multiple submitters, no conflicts (2 of 4 stars). 2 submissions from 2 submitters: Uncertain significance (2). Last evaluated 2025-10-14.

Conditions:
Cardiovascular phenotype. Identifiers: MedGen CN230736.

Allele frequency attached by ClinVar (database versions not stated): gnomAD exomes below 0.00001 and 0.00001; ExAC 0.00001; TOPMed 0.00001.
gnomAD v4.1: 4 of 1,614,038 alleles (0.00025%); highest among the groups gnomAD compares: Non-Finnish European, 0.00034%; no homozygotes.

Submissions (2):

Labcorp Genetics (formerly Invitae), Labcorp
Classification: Uncertain significance. Last evaluated: 2025-10-14. Review status: criteria provided, single submitter. Criteria: Invitae Variant Classification Sherloc (09022015). Collection method: clinical testing. Allele origin: germline.
Comment: This sequence change replaces proline, which is neutral and non-polar, with serine, which is neutral and polar, at codon 160 of the MFAP5 protein (p.Pro160Ser). This variant is present in population databases (rs772494615, gnomAD 0.0009%). This variant has not been reported in the literature in individuals affected with MFAP5-related conditions. ClinVar contains an entry for this variant (Variation ID: 1367642). An algorithm developed to predict the effect of missense changes on protein structure and function (PolyPhen-2) suggests that this variant is likely to be disruptive. In summary, the available evidence is currently insufficient to determine the role of this variant in disease. Therefore, it has been classified as a Variant of Uncertain Significance.

Ambry Genetics
Classification: Uncertain significance for Cardiovascular phenotype. Last evaluated: 2025-08-12. Review status: criteria provided, single submitter. Criteria: Ambry Variant Classification Scheme 2023. Collection method: clinical testing. Allele origin: germline.